The following is an entry in ClinVar:

ClinVar aggregate classification (germline): Likely benign (1 of 4 stars; one submission).

Conditions:
ASCC1-related disorder. Also called: ASCC1-Related Disorders; ASCC1-related condition.

gnomAD v4.1: 115 of 1,550,232 alleles (0.0074%); highest among the groups gnomAD compares: African/African-American, 0.15%; no homozygotes.

Submission:

PreventionGenetics, part of Exact Sciences
Classification: Likely benign for ASCC1-related condition. Last evaluated: 2025-07-25. Review status: criteria provided, single submitter. Criteria: ACMG Guidelines, 2015. Collection method: clinical testing. Allele origin: germline.
Comment: This variant is classified as likely benign based on ACMG/AMP sequence variant interpretation guidelines (Richards et al. 2015 PMID: 25741868, with internal and published modifications).

NM_001198800.3(ASCC1):c.958-4909G>A

Gene: ASCC1 (activating signal cointegrator 1 complex subunit 1; minus strand). Cytogenetic location: 10q22.1.
Variant type: single nucleotide variant.
Coding change: c.958-4909G>A on transcript NM_001198800.3 (MANE Select); 4909 bases into the intron before coding-DNA position 958, G replaced by A.
Molecular consequence: intron variant. On other transcripts: 3 prime UTR variant (6), synonymous variant (3).
Genome position (GRCh38, 1-based): chr10:72,102,359, C>T on the plus strand (G>A on the coding strand, the complement: ASCC1 is on the minus strand). VCF-style: chr10-72102359-C-T. GRCh37 (hg19) VCF-style: chr10-73862117-C-T.
Other names: c.958-4909G>A (NM_001198798.2, NM_001369093.1, NM_001369094.1 and 1 more transcripts); c.838-4909G>A (NM_001369109.1, NM_001369108.1); c.955+491G>A (NM_001369104.1, NM_001369103.1); c.872-4909G>A (NM_001369111.1, NM_001369110.1); c.1075+491G>A (NM_001369091.1, NM_001369092.1, NM_001369090.1); c.841-4909G>A (NM_001369106.1, NM_001369107.1, NM_001369105.1); c.958+491G>A (NM_001369101.1, NM_001369102.1); c.*10G>A (NM_001198799.3, NM_001369085.1, NM_001369087.1 and 3 more transcripts); and 4 more.
Identifiers: ClinVar variation 4999761 (VCV004999761.1).
Genomic context (GRCh38, chr10:72,102,359, plus strand): 5'-TCAGGTGTGTTTACACACTCACGGCTGTATCTTACCCACTAGCTCTCTGTGTCCCAAGCC[C>T]TTCTCGATTCTAGGATTTTCCTGGTAGGCTCTGAGAATATGCATCAGAGACACCTGTAGC-3'